The following is an entry in ClinVar:

ClinVar aggregate classification (germline): Pathogenic (1 of 4 stars; one submission).

Allele frequency attached by ClinVar (database versions not stated): gnomAD 0.00004; TOPMed 0.00004; ExAC 0.00005; gnomAD exomes 0.00010.
gnomAD v4.1: 145 of 1,613,958 alleles (0.009%); highest among the groups gnomAD compares: Non-Finnish European, 0.011%; no homozygotes.

Submission:

Labcorp Genetics (formerly Invitae), Labcorp
Classification: Pathogenic. Last evaluated: 2022-06-28. Review status: criteria provided, single submitter. Criteria: Invitae Variant Classification Sherloc (09022015). Collection method: clinical testing. Allele origin: germline.
Comment: This sequence change creates a premature translational stop signal (p.Arg463*) in the DNHD1 gene. It is expected to result in an absent or disrupted protein product. Loss-of-function variants in DNHD1 are known to be pathogenic (PMID: 34932939). This variant is present in population databases (rs767629627, gnomAD 0.01%). This variant has not been reported in the literature in individuals affected with DNHD1-related conditions. For these reasons, this variant has been classified as Pathogenic.

Literature cited by the submitters: PubMed 34932939.

NM_144666.3(DNHD1):c.1387C>T (p.Arg463Ter)

Gene: DNHD1 (dynein heavy chain domain 1; plus strand). Cytogenetic location: 11p15.4.
Variant type: single nucleotide variant.
Coding change: c.1387C>T on transcript NM_144666.3 (MANE Select); coding-DNA position 1387, C replaced by T.
Protein change: p.Arg463Ter; replaces arginine 463 with a stop codon.
Molecular consequence: nonsense.
Genome position (GRCh38, 1-based): chr11:6,511,424, C>T. VCF-style: chr11-6511424-C-T. GRCh37 (hg19) VCF-style: chr11-6532654-C-T.
Other names: c.1387C>T, p.Arg463Ter (NM_173589.4); short protein forms R463*.
Identifiers: ClinVar variation 2083867 (VCV002083867.1), dbSNP rs767629627, ClinGen allele CA5855568.